The following is an entry in ClinVar:

ClinVar aggregate classification (germline): Uncertain significance (1 of 4 stars; one submission).

Submission:

Labcorp Genetics (formerly Invitae), Labcorp
Classification: Uncertain significance. Last evaluated: 2023-07-07. Review status: criteria provided, single submitter. Criteria: Invitae Variant Classification Sherloc (09022015). Collection method: clinical testing. Allele origin: germline.
Comment: In summary, the available evidence is currently insufficient to determine the role of this variant in disease. Therefore, it has been classified as a Variant of Uncertain Significance. Advanced modeling of protein sequence and biophysical properties (such as structural, functional, and spatial information, amino acid conservation, physicochemical variation, residue mobility, and thermodynamic stability) has been performed at Invitae for this missense variant, however the output from this modeling did not meet the statistical confidence thresholds required to predict the impact of this variant on LRP5 protein function. ClinVar contains an entry for this variant (Variation ID: 2004451). This variant has not been reported in the literature in individuals affected with LRP5-related conditions. This variant is not present in population databases (gnomAD no frequency). This sequence change replaces proline, which is neutral and non-polar, with leucine, which is neutral and non-polar, at codon 628 of the LRP5 protein (p.Pro628Leu).

NM_002335.4(LRP5):c.1883C>T (p.Pro628Leu)

Gene: LRP5 (LDL receptor related protein 5; plus strand). Cytogenetic location: 11q13.2.
Variant type: single nucleotide variant.
Coding change: c.1883C>T on transcript NM_002335.4 (MANE Select); coding-DNA position 1883, C replaced by T.
Protein change: p.Pro628Leu; replaces proline 628 with leucine.
Molecular consequence: missense variant.
Genome position (GRCh38, 1-based): chr11:68,406,605, C>T. VCF-style: chr11-68406605-C-T. GRCh37 (hg19) VCF-style: chr11-68174073-C-T.
Other names: c.140C>T, p.Pro47Leu (NM_001291902.2); short protein forms P628L, P47L.
Identifiers: ClinVar variation 2004451 (VCV002004451.4), dbSNP rs2496718653, ClinGen allele CA381615490.
Genomic context (GRCh38, chr11:68,406,605, plus strand): 5'-GGAACGGGGGGTGCAGCCACCTGTGCTTCTTCACACCCCACGCAACCCGGTGTGGCTGCC[C>T]CATCGGCCTGGAGCTGCTGAGTGACATGAAGACCTGCATCGTGCCTGAGGCCTTCTTGGT-3'
Protein context (NP_002326.2, residues 618-638): FTPHATRCGC[Pro628Leu]IGLELLSDMK